The following is an entry in ClinVar:

NM_004863.4(SPTLC2):c.842A>G (p.Lys281Arg)

Gene: SPTLC2 (serine palmitoyltransferase long chain base subunit 2; minus strand). Cytogenetic location: 14q24.3.
Variant type: single nucleotide variant.
Coding change: c.842A>G on transcript NM_004863.4 (MANE Select); coding-DNA position 842, A replaced by G.
Protein change: p.Lys281Arg; replaces lysine 281 with arginine.
Molecular consequence: missense variant.
Genome position (GRCh38, 1-based): chr14:77,562,404, T>C on the plus strand (A>G on the coding strand, the complement: SPTLC2 is on the minus strand). VCF-style: chr14-77562404-T-C. GRCh37 (hg19) VCF-style: chr14-78028747-T-C.
Other names: short protein forms K281R.
Identifiers: ClinVar variation 962654 (VCV000962654.9), dbSNP rs780031244, ClinGen allele CA7289348.

ClinVar aggregate classification (germline): Uncertain significance (1 of 4 stars; one submission).

Conditions:
Neuropathy, hereditary sensory and autonomic, type 1C. Also called: HSAN IC; HSN IC. Identifiers: Orphanet 36386, MedGen C3150896, MONDO:0013337, OMIM 613640.

Allele frequency attached by ClinVar (database versions not stated): ExAC 0.00001; gnomAD exomes 0.00002.
gnomAD v4.1: 13 of 1,614,176 alleles (0.00081%); highest among the groups gnomAD compares: South Asian, 0.011%; no homozygotes.

Submission:

Labcorp Genetics (formerly Invitae), Labcorp
Classification: Uncertain significance for Neuropathy, hereditary sensory and autonomic, type 1C. Last evaluated: 2019-09-12. Review status: criteria provided, single submitter. Criteria: Invitae Variant Classification Sherloc (09022015). Collection method: clinical testing. Allele origin: germline.
Comment: In summary, the available evidence is currently insufficient to determine the role of this variant in disease. Therefore, it has been classified as a Variant of Uncertain Significance. Algorithms developed to predict the effect of missense changes on protein structure and function (SIFT, PolyPhen-2, Align-GVGD) all suggest that this variant is likely to be tolerated, but these predictions have not been confirmed by published functional studies and their clinical significance is uncertain. This variant has not been reported in the literature in individuals with SPTLC2-related conditions. This variant is present in population databases (rs780031244, ExAC 0.006%). This sequence change replaces lysine with arginine at codon 281 of the SPTLC2 protein (p.Lys281Arg). The lysine residue is highly conserved and there is a small physicochemical difference between lysine and arginine.